The following is an entry in ClinVar:

NC_000008.10:g.(?_41518984)_(41591607_?)del

Gene: ANK1 (ankyrin 1; minus strand). Cytogenetic location: 8p11.21.
Variant type: Deletion.
Identifiers: ClinVar variation 3245545 (VCV003245545.1).

ClinVar aggregate classification (germline): Pathogenic (1 of 4 stars; one submission).

Submission:

Labcorp Genetics (formerly Invitae), Labcorp
Classification: Pathogenic. Last evaluated: 2023-08-16. Review status: criteria provided, single submitter. Criteria: Invitae Variant Classification Sherloc (09022015). Collection method: clinical testing. Allele origin: unknown.
Comment: This variant is a gross deletion of the genomic region encompassing exon(s) 3-42 of the ANK1 gene, which includes the termination codon. This deletion extends beyond the assayed region for this gene and therefore may encompass additional genes. While this deletion is not anticipated to lead to nonsense mediated decay, it is expected to alter mRNA translation or result in a truncated protein product. This variant has not been reported in the literature in individuals affected with ANK1-related conditions. This variant disrupts a region of the ANK1 protein in which other variant(s) (p.Ser1027Arg) have been determined to be pathogenic (Invitae). This suggests that this is a clinically significant region of the protein, and that variants that disrupt it are likely to be disease-causing. For these reasons, this variant has been classified as Pathogenic.